The following is an entry in ClinVar:

ClinVar aggregate classification (germline): Benign. Review status: criteria provided, multiple submitters, no conflicts (2 of 4 stars). 3 submissions from 3 submitters: Benign (3). Last evaluated 2022-08-12.

Conditions:
Anemia, nonspherocytic hemolytic, due to G6PD deficiency (CNSHA1). Also called: Hemolytic anemia due to G6PD deficiency; ANEMIA, CONGENITAL, NONSPHEROCYTIC HEMOLYTIC, 1; Class I glucose-6-phosphate dehydrogenase deficiency; Favism, susceptibility to. Identifiers: Orphanet 466026, MedGen C2720289, MONDO:0010480, OMIM 300908.

Allele frequency attached by ClinVar (database versions not stated): gnomAD exomes 0.01000; gnomAD 0.09005 and 0.09646; 1000 Genomes Project 0.09483; 1000 Genomes Project 30x 0.09844; TOPMed 0.10133.
gnomAD v4.1: 15,333 of 608,233 alleles (2.5%); highest among the groups gnomAD compares: African/African-American, 31%; 1,661 homozygotes.

Submissions (3):

Dunham Lab, University of Washington
Classification: Benign for Anemia, nonspherocytic hemolytic, due to G6PD deficiency. Last evaluated: 2022-08-12. Review status: criteria provided, single submitter. Criteria: ACMG Guidelines, 2015. Collection method: curation. Allele origin: unknown.
Comment: Variant found at a frequency of 8.5% in gnomAD (BA1) and previously interpreted as benign (BP6).

GeneDx
Classification: Benign. Last evaluated: 2018-07-09. Review status: criteria provided, single submitter. Criteria: GeneDx Variant Classification Process June 2021. Collection method: clinical testing. Allele origin: germline. Affected: yes.

Breakthrough Genomics
Classification: Benign. Review status: criteria provided, single submitter. Criteria: ACMG Guidelines, 2015. Collection method: not provided. Allele origin: germline. Inheritance: X-linked inheritance. Affected: yes.

NM_001360016.2(G6PD):c.864+163C>T

Gene: G6PD (glucose-6-phosphate dehydrogenase; minus strand). Cytogenetic location: Xq28.
Variant type: single nucleotide variant.
Coding change: c.864+163C>T on transcript NM_001360016.2 (MANE Select); 163 bases into the intron after coding-DNA position 864, C replaced by T.
Molecular consequence: intron variant.
Genome position (GRCh38, 1-based): chrX:154,533,413, G>A on the plus strand (C>T on the coding strand, the complement: G6PD is on the minus strand). VCF-style: chrX-154533413-G-A. GRCh37 (hg19) VCF-style: chrX-153761628-G-A.
Other names: c.954+163C>T (NM_000402.4); c.864+163C>T (NM_001042351.3).
Identifiers: ClinVar variation 1265108 (VCV001265108.5), dbSNP rs5986990, ClinGen allele CA337316910.